The following is an entry in ClinVar:

NM_030665.4(RAI1):c.3842C>T (p.Pro1281Leu)

Gene: RAI1 (retinoic acid induced 1; plus strand). Cytogenetic location: 17p11.2.
Variant type: single nucleotide variant.
Coding change: c.3842C>T on transcript NM_030665.4 (MANE Select); coding-DNA position 3842, C replaced by T.
Protein change: p.Pro1281Leu; replaces proline 1281 with leucine.
Molecular consequence: missense variant.
Genome position (GRCh38, 1-based): chr17:17,796,790, C>T. VCF-style: chr17-17796790-C-T. GRCh37 (hg19) VCF-style: chr17-17700104-C-T.
Other names: short protein forms P1281L.
Identifiers: ClinVar variation 3709491 (VCV003709491.2).
Genomic context (GRCh38, chr17:17,796,790, plus strand): 5'-AGAGGCCTGAGGGTTCCCCCACCCTCTTCAAGAGGATGTCTTCTCCCAAGAAAGCCAAGC[C>T]CACCAAGGGCAATGGCGAGCCTGCCACAAAGCTCCCACCCCCGGAGACCCCCGATGCCTG-3'
Protein context (NP_109590.3, residues 1271-1291): KRMSSPKKAK[Pro1281Leu]TKGNGEPATK

ClinVar aggregate classification (germline): Uncertain significance (1 of 4 stars; one submission).

gnomAD v4.1: 4 of 1,612,564 alleles (0.00025%); highest among the groups gnomAD compares: Non-Finnish European, 0.00034%; no homozygotes.

Submission:

Labcorp Genetics (formerly Invitae), Labcorp
Classification: Uncertain significance. Last evaluated: 2024-06-28. Review status: criteria provided, single submitter. Criteria: Invitae Variant Classification Sherloc (09022015). Collection method: clinical testing. Allele origin: germline.
Comment: This sequence change replaces proline, which is neutral and non-polar, with leucine, which is neutral and non-polar, at codon 1281 of the RAI1 protein (p.Pro1281Leu). This variant is not present in population databases (gnomAD no frequency). This variant has not been reported in the literature in individuals affected with RAI1-related conditions. Advanced modeling of protein sequence and biophysical properties (such as structural, functional, and spatial information, amino acid conservation, physicochemical variation, residue mobility, and thermodynamic stability) performed at Invitae indicates that this missense variant is not expected to disrupt RAI1 protein function with a negative predictive value of 80%. In summary, the available evidence is currently insufficient to determine the role of this variant in disease. Therefore, it has been classified as a Variant of Uncertain Significance.